The following is an entry in ClinVar:

ClinVar aggregate classification (germline): Uncertain significance (1 of 4 stars; one submission).

gnomAD v4.1: 3 of 1,614,050 alleles (0.00019%); highest among the groups gnomAD compares: Non-Finnish European, 0.00025%; no homozygotes.

Submission:

Ambry Genetics
Classification: Uncertain significance. Last evaluated: 2025-05-23. Review status: criteria provided, single submitter. Criteria: Ambry Variant Classification Scheme 2023. Collection method: clinical testing. Allele origin: germline.
Comment: The p.C1016W variant (also known as c.3048T>G), located in coding exon 1 of the TET2 gene, results from a T to G substitution at nucleotide position 3048. The cysteine at codon 1016 is replaced by tryptophan, an amino acid with highly dissimilar properties. This amino acid position is conserved. In addition, this alteration is predicted to be tolerated by in silico analysis. Based on the available evidence, the clinical significance of this variant remains unclear.

NM_001127208.3(TET2):c.3048T>G (p.Cys1016Trp)

Genes: TET2 (tet methylcytosine dioxygenase 2; plus strand), TET2-AS1 (TET2 antisense RNA 1; minus strand). Cytogenetic location: 4q24.
Variant type: single nucleotide variant.
Coding change: c.3048T>G on transcript NM_001127208.3 (MANE Select); coding-DNA position 3048, T replaced by G.
Protein change: p.Cys1016Trp; replaces cysteine 1016 with tryptophan.
Molecular consequence: missense variant.
Genome position (GRCh38, 1-based): chr4:105,236,990, T>G. VCF-style: chr4-105236990-T-G. GRCh37 (hg19) VCF-style: chr4-106158147-T-G.
Other names: c.3048T>G, p.Cys1016Trp (NM_017628.4); short protein forms C1016W.
Identifiers: ClinVar variation 3967661 (VCV003967661.1).